The following is an entry in ClinVar:

NM_138927.4(SON):c.3541G>A (p.Ala1181Thr)

Gene: SON (SON DNA and RNA binding protein; plus strand). Cytogenetic location: 21q22.11.
Variant type: single nucleotide variant.
Coding change: c.3541G>A on transcript NM_138927.4 (MANE Select); coding-DNA position 3541, G replaced by A.
Protein change: p.Ala1181Thr; replaces alanine 1181 with threonine.
Molecular consequence: missense variant. On other transcripts: non-coding transcript variant (1), intron variant (1).
Genome position (GRCh38, 1-based): chr21:33,552,772, G>A. VCF-style: chr21-33552772-G-A. GRCh37 (hg19) VCF-style: chr21-34925078-G-A.
Other names: c.3541G>A (NM_032195.2); c.3541G>A, p.Ala1181Thr (NM_001291411.2, NM_001412133.1, NM_032195.3 and 2 more transcripts); c.245-4384G>A (NM_001291412.3); short protein forms A1181T.
Identifiers: ClinVar variation 1935264 (VCV001935264.9), dbSNP rs1210956110, ClinGen allele CA410160417.

ClinVar aggregate classification (germline): Conflicting classifications of pathogenicity. Review status: criteria provided, conflicting classifications (1 of 4 stars). 3 submissions from 3 submitters: Uncertain significance (1); Benign (1); Likely benign (1). Last evaluated 2025-11-12.

Conditions:
ZTTK syndrome (ZTTKS). Also called: ZTTK MULTIPLE CONGENITAL ANOMALIES-MENTAL RETARDATION SYNDROME; Zhu-Tokita-Takenouchi-Kim Syndrome. Identifiers: Orphanet 500150, MedGen C4310696, MONDO:0014936, OMIM 617140.

Allele frequency attached by ClinVar (database versions not stated): gnomAD 0.00001; TOPMed 0.00001.
gnomAD v4.1: 6 of 1,613,642 alleles (0.00037%); highest among the groups gnomAD compares: Admixed American, 0.0083%; no homozygotes.

Submissions (3):

Women's Health and Genetics/Laboratory Corporation of America, LabCorp
Classification: Likely benign. Last evaluated: 2025-11-12. Review status: criteria provided, single submitter. Criteria: LabCorp Variant Classification Summary - May 2015. Collection method: clinical testing. Allele origin: germline.
Comment: Variant summary: SON c.3541G>A (p.Ala1181Thr) results in a non-conservative amino acid change in the encoded protein sequence. Algorithms developed to predict the effect of missense changes on protein structure and function are either unavailable or do not agree on the potential impact of this missense change. The variant allele was found at a frequency of 3.7e-06 in 1613642 control chromosomes (6 heterozygotes). The available data on variant occurrences in the general population are insufficient to allow any conclusion about variant significance. However the number of heterozygous controls in gnomAD v4 is not consistent with the early onset/severe presentation of SON-related conditions. To our knowledge, no occurrence of c.3541G>A in individuals affected with SON-related conditions and no experimental evidence demonstrating its impact on protein function have been reported. ClinVar contains an entry for this variant (Variation ID: 1935264). Based on the evidence outlined above, the variant was classified as likely benign.

Labcorp Genetics (formerly Invitae), Labcorp
Classification: Benign. Last evaluated: 2024-04-05. Review status: criteria provided, single submitter. Criteria: Invitae Variant Classification Sherloc (09022015). Collection method: clinical testing. Allele origin: germline.

Revvity Omics, Revvity
Classification: Uncertain significance for ZTTK syndrome. Last evaluated: 2019-04-09. Review status: criteria provided, single submitter. Criteria: ACMG Guidelines, 2015. Collection method: clinical testing. Allele origin: germline.